The following is an entry in ClinVar:

ClinVar aggregate classification (germline): Uncertain significance (1 of 4 stars; one submission).

Conditions:
Combined immunodeficiency due to LRBA deficiency. Also called: Common variable immunodeficiency 8, with autoimmunity. Identifiers: Orphanet 445018, MedGen C3553512, MONDO:0013863, OMIM 614700.

Submission:

Labcorp Genetics (formerly Invitae), Labcorp
Classification: Uncertain significance for Combined immunodeficiency due to LRBA deficiency. Last evaluated: 2020-04-23. Review status: criteria provided, single submitter. Criteria: Invitae Variant Classification Sherloc (09022015). Collection method: clinical testing. Allele origin: germline.
Comment: This sequence change replaces cysteine with tyrosine at codon 522 of the LRBA protein (p.Cys522Tyr). The cysteine residue is weakly conserved and there is a large physicochemical difference between cysteine and tyrosine. This variant is not present in population databases (ExAC no frequency). This variant has not been reported in the literature in individuals with LRBA-related conditions. Algorithms developed to predict the effect of missense changes on protein structure and function are either unavailable or do not agree on the potential impact of this missense change (SIFT: "Tolerated"; PolyPhen-2: "Probably Damaging"; Align-GVGD: "Class C0"). In summary, the available evidence is currently insufficient to determine the role of this variant in disease. Therefore, it has been classified as a Variant of Uncertain Significance.

NM_001364905.1(LRBA):c.1565G>A (p.Cys522Tyr)

Gene: LRBA (LPS responsive beige-like anchor protein; minus strand). Cytogenetic location: 4q31.3.
Variant type: single nucleotide variant.
Coding change: c.1565G>A on transcript NM_001364905.1 (MANE Select); coding-DNA position 1565, G replaced by A.
Protein change: p.Cys522Tyr; replaces cysteine 522 with tyrosine.
Molecular consequence: missense variant.
Genome position (GRCh38, 1-based): chr4:150,906,334, C>T on the plus strand (G>A on the coding strand, the complement: LRBA is on the minus strand). VCF-style: chr4-150906334-C-T. GRCh37 (hg19) VCF-style: chr4-151827486-C-T.
Other names: c.1565G>A, p.Cys522Tyr (NM_001199282.3, NM_001367550.1, NM_006726.5); short protein forms C522Y.
Identifiers: ClinVar variation 1054823 (VCV001054823.9), dbSNP rs2127156803, ClinGen allele CA358431758.